The following is an entry in ClinVar:

ClinVar aggregate classification (germline): Pathogenic. Review status: criteria provided, multiple submitters, no conflicts (2 of 4 stars). 6 submissions from 6 submitters: Pathogenic (6). Last evaluated 2025-11-05.

Conditions:
Gastrointestinal stromal tumor. Also called: Gastrointestinal stromal tumor, somatic; Gastrointestinal stroma tumor. Identifiers: Orphanet 44890, MedGen C0238198, MeSH D046152, MONDO:0011719, OMIM 606764, HP:0100723.
Pheochromocytoma/paraganglioma syndrome 5. Also called: Paragangliomas 5; SDHA-Related Hereditary Paraganglioma-Pheochromocytoma Syndrome. Identifiers: Orphanet 29072, MedGen C3279992, MONDO:0013602, OMIM 614165.
Mitochondrial complex II deficiency, nuclear type 1. Also called: SUCCINATE CoQ REDUCTASE DEFICIENCY. Identifiers: Orphanet 3208, MedGen C5700310, MONDO:0100294, OMIM 252011.
Hereditary cancer-predisposing syndrome. Also called: Neoplastic Syndromes, Hereditary; Tumor predisposition; Hereditary Cancer Syndrome; Hereditary neoplastic syndrome. Identifiers: Orphanet 140162, MedGen C0027672, MeSH D009386, MONDO:0015356.

Allele frequency attached by ClinVar (database versions not stated): gnomAD exomes below 0.00001; TOPMed below 0.00001.
gnomAD v4.1: 4 of 1,613,416 alleles (0.00025%); highest among the groups gnomAD compares: Non-Finnish European, 0.00034%; no homozygotes.

Submissions (6):

Labcorp Genetics (formerly Invitae), Labcorp
Classification: Pathogenic for Pheochromocytoma/paraganglioma syndrome 5; Mitochondrial complex II deficiency, nuclear type 1. Last evaluated: 2025-11-05. Review status: criteria provided, single submitter. Criteria: Invitae Variant Classification Sherloc (09022015). Collection method: clinical testing. Allele origin: germline.
Comment: This sequence change creates a premature translational stop signal (p.Trp119*) in the SDHA gene. It is expected to result in an absent or disrupted protein product. Loss-of-function variants in SDHA are known to be pathogenic (PMID: 22974104, 24781757). This variant is not present in population databases (gnomAD no frequency). This premature translational stop signal has been observed in individual(s) with autosomal recessive mitochondrial complex II deficiency (PMID: 16361598). ClinVar contains an entry for this variant (Variation ID: 856810). For these reasons, this variant has been classified as Pathogenic.

Quest Diagnostics Nichols Institute San Juan Capistrano
Classification: Pathogenic. Last evaluated: 2024-07-12. Review status: criteria provided, single submitter. Criteria: Quest Diagnostics criteria. Collection method: clinical testing. Allele origin: unknown.
Comment: The SDHA c.356G>A (p.Trp119*) variant causes the premature termination of SDHA protein synthesis. This variant has been reported in the published literature in individuals with gastrointestinal stromal tumors (PMID: 35059314 (2014)) and Leigh syndrome (PMID: 16798039 (2006), 16361598 (2006)). This variant has not been reported in large, multi-ethnic general populations (Genome Aggregation Database). Based on the available information, this variant is classified as pathogenic.

Myriad Genetics, Inc.
Classification: Pathogenic for Pheochromocytoma/paraganglioma syndrome 5. Last evaluated: 2023-07-07. Review status: criteria provided, single submitter. Criteria: Myriad Autosomal Dominant, Autosomal Recessive and X-Linked Classification Criteria (2023). Collection method: clinical testing. Allele origin: unknown.
Comment: This variant is considered pathogenic. This variant creates a termination codon and is predicted to result in premature protein truncation.

Ambry Genetics
Classification: Pathogenic for Hereditary cancer-predisposing syndrome. Last evaluated: 2023-01-06. Review status: criteria provided, single submitter. Criteria: Ambry Variant Classification Scheme 2023. Collection method: clinical testing. Allele origin: germline.
Comment: The p.W119* pathogenic mutation (also known as c.356G>A), located in coding exon 4 of the SDHA gene, results from a G to A substitution at nucleotide position 356. This changes the amino acid from a tryptophan to a stop codon within coding exon 4. This alteration, described as W119X, has been identified in the compound heterozygous state in a patient affected with Leigh syndrome (Horv&aacute;th R et al. J. Neurol. Neurosurg. Psychiatry, 2006 Jan;77:74-6). In addition to the clinical data presented in the literature, this alteration is expected to result in loss of function by premature protein truncation or nonsense-mediated mRNA decay. As such, this alteration is interpreted as a disease-causing mutation.

GeneDx
Classification: Pathogenic. Last evaluated: 2022-12-19. Review status: criteria provided, single submitter. Criteria: GeneDx Variant Classification Process June 2021. Collection method: clinical testing. Allele origin: germline. Affected: yes.
Comment: Nonsense variant predicted to result in protein truncation or nonsense mediated decay in a gene for which loss of function is a known mechanism of disease; Not observed at significant frequency in large population cohorts (gnomAD); This variant is associated with the following publications: (PMID: 25525159, 24781757, 16798039, 22974104, 16361598)

“Giorgio Prodi” Cancer Research Center, University of Bologna
Classification: Pathogenic for Gastrointestinal stromal tumor. Last evaluated: 2021-10-01. Review status: criteria provided, single submitter. Criteria: ACMG Guidelines, 2015. Collection method: research. Allele origin: germline. Affected: yes. Observed: 1 variant allele.

Literature cited by the submitters: PubMed 22974104 (cited by Labcorp Genetics (formerly Invitae), Labcorp); PubMed 24781757 (cited by 3 submitters); PubMed 16361598 (cited by 3 submitters); PubMed 35059314 (cited by Quest Diagnostics Nichols Institute San Juan Capistrano); PubMed 16798039 (cited by Quest Diagnostics Nichols Institute San Juan Capistrano and Ambry Genetics).

NM_004168.4(SDHA):c.356G>A (p.Trp119Ter)

Gene: SDHA (succinate dehydrogenase complex flavoprotein subunit A; plus strand). Cytogenetic location: 5p15.33.
Variant type: single nucleotide variant.
Coding change: c.356G>A on transcript NM_004168.4 (MANE Select); coding-DNA position 356, G replaced by A.
Protein change: p.Trp119Ter; replaces tryptophan 119 with a stop codon.
Molecular consequence: nonsense. On other transcripts: intron variant (1).
Genome position (GRCh38, 1-based): chr5:225,462, G>A. VCF-style: chr5-225462-G-A. GRCh37 (hg19) VCF-style: chr5-225577-G-A.
Other names: c.356G>A, p.Trp119Ter (NM_001330758.2); c.313-421G>A (NM_001294332.2); c.356G>A (NM_004168.2); short protein forms W119*.
Identifiers: ClinVar variation 856810 (VCV000856810.20), dbSNP rs1734957331, ClinGen allele CA359009280.